The following is an entry in ClinVar:

ClinVar aggregate classification (germline): Uncertain significance (1 of 4 stars; one submission).

Conditions:
Inborn genetic diseases. Identifiers: MedGen C0950123, MeSH D030342.

Submission:

Ambry Genetics
Classification: Uncertain significance for Inborn genetic diseases. Last evaluated: 2025-07-18. Review status: criteria provided, single submitter. Criteria: Ambry Variant Classification Scheme 2023. Collection method: clinical testing. Allele origin: germline.
Comment: The p.V244L variant (also known as c.730G>T), located in coding exon 6 of the FANCG gene, results from a G to T substitution at nucleotide position 730. The valine at codon 244 is replaced by leucine, an amino acid with highly similar properties. This amino acid position is conserved. In addition, this alteration is predicted to be tolerated by in silico analysis. Based on the available evidence, the clinical significance of this variant remains unclear.

NM_004629.2(FANCG):c.730G>T (p.Val244Leu)

Gene: FANCG (FA complementation group G; minus strand). Cytogenetic location: 9p13.3.
Variant type: single nucleotide variant.
Coding change: c.730G>T on transcript NM_004629.2 (MANE Select); coding-DNA position 730, G replaced by T.
Protein change: p.Val244Leu; replaces valine 244 with leucine.
Molecular consequence: missense variant.
Genome position (GRCh38, 1-based): chr9:35,077,018, C>A on the plus strand (G>T on the coding strand, the complement: FANCG is on the minus strand). VCF-style: chr9-35077018-C-A. GRCh37 (hg19) VCF-style: chr9-35077015-C-A.
Other names: short protein forms V244L.
Identifiers: ClinVar variation 4254447 (VCV004254447.1).
Genomic context (GRCh38, chr9:35,077,018, plus strand): 5'-GGACTGTCTTTACCATCTTACGGTGACAGGACCCCAGTGCTGTGTACACCTGGACCAACA[C>A]AGGCCGTGGACACAGGCCTGAGGCCGCTTCATGAAGGCTGCTTAGTGCCTTGTCTGGGTT-3'
Protein context (NP_004620.1, residues 234-254): EAASGLCPRP[Val244Leu]LVQVYTALGS